The following is an entry in ClinVar:

ClinVar aggregate classification (germline): Likely pathogenic. Review status: criteria provided, multiple submitters, no conflicts (2 of 4 stars). 2 submissions from 2 submitters: Likely pathogenic (2). Last evaluated 2023-08-04.

Conditions:
KLHL7-related disorder. Also called: KLHL7-related disorders; KLHL7-related condition.

Allele frequency attached by ClinVar (database versions not stated): gnomAD exomes below 0.00001; ExAC 0.00001; gnomAD 0.00001.
gnomAD v4.1: 6 of 1,613,946 alleles (0.00037%); highest among the groups gnomAD compares: Admixed American, 0.0017%; no homozygotes.

Submissions (2):

Labcorp Genetics (formerly Invitae), Labcorp
Classification: Likely pathogenic. Last evaluated: 2023-08-04. Review status: criteria provided, single submitter. Criteria: Invitae Variant Classification Sherloc (09022015). Collection method: clinical testing. Allele origin: germline.
Comment: This sequence change affects an acceptor splice site in intron 8 of the KLHL7 gene. It is expected to disrupt RNA splicing. Variants that disrupt the donor or acceptor splice site typically lead to a loss of protein function (PMID: 16199547), and loss-of-function variants in KLHL7 are known to be pathogenic (PMID: 27392078, 29074562, 30426380, 31953236). This variant is present in population databases (rs759857784, gnomAD 0.002%). This variant has not been reported in the literature in individuals affected with KLHL7-related conditions. ClinVar contains an entry for this variant (Variation ID: 1958241). Algorithms developed to predict the effect of sequence changes on RNA splicing suggest that this variant may disrupt the consensus splice site. In summary, the currently available evidence indicates that the variant is pathogenic, but additional data are needed to prove that conclusively. Therefore, this variant has been classified as Likely Pathogenic.

Blueprint Genetics
Classification: Likely pathogenic for KLHL7-related disorders. Last evaluated: 2022-10-03. Review status: criteria provided, single submitter. Criteria: ACMG Guidelines, 2015. Collection method: clinical testing. Allele origin: germline. Affected: yes. Observed: 3 variant alleles.

Literature cited by the submitters: PubMed 16199547 (cited by Labcorp Genetics (formerly Invitae), Labcorp); PubMed 27392078 (cited by Labcorp Genetics (formerly Invitae), Labcorp); PubMed 29074562 (cited by Labcorp Genetics (formerly Invitae), Labcorp); PubMed 30426380 (cited by Labcorp Genetics (formerly Invitae), Labcorp); PubMed 31953236 (cited by Labcorp Genetics (formerly Invitae), Labcorp).

NM_001031710.3(KLHL7):c.1178-2A>G

Gene: KLHL7 (kelch like family member 7; plus strand). Cytogenetic location: 7p15.3.
Variant type: single nucleotide variant.
Coding change: c.1178-2A>G on transcript NM_001031710.3 (MANE Select); the canonical splice acceptor site of the intron before coding-DNA position 1178, A replaced by G.
Molecular consequence: splice acceptor variant.
Genome position (GRCh38, 1-based): chr7:23,167,834, A>G. VCF-style: chr7-23167834-A-G. GRCh37 (hg19) VCF-style: chr7-23207453-A-G.
Other names: c.1034-2A>G (NM_018846.5).
Identifiers: ClinVar variation 1958241 (VCV001958241.6), dbSNP rs759857784, ClinGen allele CA4186571.